The following is an entry in ClinVar:

NM_001367624.2(ZNF469):c.2182G>T (p.Asp728Tyr)

Gene: ZNF469 (zinc finger protein 469; plus strand). Cytogenetic location: 16q24.2.
Variant type: single nucleotide variant.
Coding change: c.2182G>T on transcript NM_001367624.2 (MANE Select); coding-DNA position 2182, G replaced by T.
Protein change: p.Asp728Tyr; replaces aspartic acid 728 with tyrosine.
Molecular consequence: missense variant.
Genome position (GRCh38, 1-based): chr16:88,429,652, G>T. VCF-style: chr16-88429652-G-T. GRCh37 (hg19) VCF-style: chr16-88496060-G-T.
Other names: NM_001127464.1:c.2182G>T; short protein forms D728Y.
Identifiers: ClinVar variation 4867019 (VCV004867019.1).
Genomic context (GRCh38, chr16:88,429,652, plus strand): 5'-GCGCCGCCTCCGTACCCCACACACCACTTCTCCCTCAGCAGCGCCAGCCTGGACCAGCTG[G>T]ACGTGCTGCTGACCTGCAGGCAGTGTGACCGCAACTACAGCAGCCTGGCGGCCTTCCTGG-3'
Protein context (NP_001354553.1, residues 718-738): SLSSASLDQL[Asp728Tyr]VLLTCRQCDR

ClinVar aggregate classification (germline): Uncertain significance (1 of 4 stars; one submission).

Conditions:
Cardiovascular phenotype. Identifiers: MedGen CN230736.

Submission:

Ambry Genetics
Classification: Uncertain significance for Cardiovascular phenotype. Last evaluated: 2026-05-28. Review status: criteria provided, single submitter. Criteria: Ambry Variant Classification Scheme 2023. Collection method: clinical testing. Allele origin: germline.
Comment: The p.D728Y variant (also known as c.2182G>T), located in coding exon 1 of the ZNF469 gene, results from a G to T substitution at nucleotide position 2182. The aspartic acid at codon 728 is replaced by tyrosine, an amino acid with highly dissimilar properties. This amino acid position is conserved. In addition, the in silico prediction for this alteration is inconclusive. Based on the available evidence, the clinical significance of this variant remains unclear.